The following is an entry in ClinVar:

ClinVar aggregate classification (germline): Uncertain significance. Review status: criteria provided, single submitter (1 of 4 stars). 2 submissions from 2 submitters: Uncertain significance (1). 1 of the submissions does not count toward it. Last evaluated 2023-03-15.

Conditions:
SEMA3E-related disorder. Also called: SEMA3E-related condition.
CHARGE syndrome (CHARGE). Also called: Hittner Hirsch Kreh syndrome; CHARGE ASSOCIATION--COLOBOMA, HEART ANOMALY, CHOANAL ATRESIA, RETARDATION, GENITAL AND EAR ANOMALIES; Coloboma, heart anomaly, choanal atresia, retardation, genital and ear anomalies; CHARGE association; Hall-Hittner syndrome. Identifiers: Orphanet 138, MedGen C0265354, MONDO:0008965.

Allele frequency attached by ClinVar (database versions not stated): gnomAD exomes below 0.00001.
gnomAD v4.1: 2 of 1,612,906 alleles (0.00012%); highest among the groups gnomAD compares: Non-Finnish European, 0.00017%; no homozygotes.

Submissions (2):

Labcorp Genetics (formerly Invitae), Labcorp
Classification: Uncertain significance for CHARGE syndrome. Last evaluated: 2023-03-15. Review status: criteria provided, single submitter. Criteria: Invitae Variant Classification Sherloc (09022015). Collection method: clinical testing. Allele origin: germline.
Comment: This variant is not present in population databases (gnomAD no frequency). In summary, the available evidence is currently insufficient to determine the role of this variant in disease. Therefore, it has been classified as a Variant of Uncertain Significance. Algorithms developed to predict the effect of sequence changes on RNA splicing suggest that this variant may create or strengthen a splice site. This variant has not been reported in the literature in individuals affected with SEMA3E-related conditions. This sequence change affects codon 50 of the SEMA3E mRNA. It is a 'silent' change, meaning that it does not change the encoded amino acid sequence of the SEMA3E protein.

PreventionGenetics, part of Exact Sciences
Classification: Likely benign for SEMA3E-related condition. Last evaluated: 2023-12-07. Review status: no assertion criteria provided. Collection method: clinical testing. Allele origin: germline. Not counted in ClinVar's aggregate classification.
Comment: This variant is classified as likely benign based on ACMG/AMP sequence variant interpretation guidelines (Richards et al. 2015 PMID: 25741868, with internal and published modifications).

NM_012431.3(SEMA3E):c.150T>C (p.His50=)

Gene: SEMA3E (semaphorin 3E; minus strand). Cytogenetic location: 7q21.11.
Variant type: single nucleotide variant.
Coding change: c.150T>C on transcript NM_012431.3 (MANE Select); coding-DNA position 150, T replaced by C.
Protein change: p.His50=; no amino-acid change (histidine 50 retained).
Molecular consequence: synonymous variant. On other transcripts: 5 prime UTR variant (1).
Genome position (GRCh38, 1-based): chr7:83,490,240, A>G on the plus strand (T>C on the coding strand, the complement: SEMA3E is on the minus strand). VCF-style: chr7-83490240-A-G. GRCh37 (hg19) VCF-style: chr7-83119556-A-G.
Other names: c.-31T>C (NM_001178129.2); c.150T>C (NM_012431.2).
Identifiers: ClinVar variation 2968787 (VCV002968787.4), dbSNP rs2484488056, ClinGen allele CA456141966.
Genomic context (GRCh38, chr7:83,490,240, plus strand): 5'-GAGCCTCTCTTGATATTCATCCAGCAGCATTGTATGGAGATCAAGAAATCCAAAAGGGCT[A>G]TGAAATATTGATGTTCTGTTCAGATTCAAGAGCTCTGAAATGCAAAGTGATACATACACT-3'
Protein context (NP_036563.1, residues 40-60): LLNLNRTSIF[His50=]SPFGFLDLHT